The following is an entry in ClinVar:

NM_001457.4(FLNB):c.1534G>A (p.Ala512Thr)

Gene: FLNB (filamin B; plus strand). Cytogenetic location: 3p14.3.
Variant type: single nucleotide variant.
Coding change: c.1534G>A on transcript NM_001457.4 (MANE Select); coding-DNA position 1534, G replaced by A.
Protein change: p.Ala512Thr; replaces alanine 512 with threonine.
Molecular consequence: missense variant.
Genome position (GRCh38, 1-based): chr3:58,104,009, G>A. VCF-style: chr3-58104009-G-A. GRCh37 (hg19) VCF-style: chr3-58089736-G-A.
Other names: c.1534G>A, p.Ala512Thr (NM_001164317.2, NM_001164318.2, NM_001164319.2); short protein forms A512T.
Identifiers: ClinVar variation 389036 (VCV000389036.37), dbSNP rs201544295, ClinGen allele CA2467841.

ClinVar aggregate classification (germline): Conflicting classifications of pathogenicity. Review status: criteria provided, conflicting classifications (1 of 4 stars). 5 submissions from 5 submitters: Uncertain significance (1); Benign (1); Likely benign (3). Last evaluated 2025-11-26.

Conditions:
FLNB-Related Spectrum Disorders.

Allele frequency attached by ClinVar (database versions not stated): TOPMed 0.00009; gnomAD 0.00022; ESP Exome Variant Server 0.00023; gnomAD exomes 0.00029; ExAC 0.00046.
gnomAD v4.1: 249 of 1,613,528 alleles (0.015%); highest among the groups gnomAD compares: Non-Finnish European, 0.015%; 5 homozygotes.

Submissions (5):

Labcorp Genetics (formerly Invitae), Labcorp
Classification: Benign. Last evaluated: 2025-11-26. Review status: criteria provided, single submitter. Criteria: Invitae Variant Classification Sherloc (09022015). Collection method: clinical testing. Allele origin: germline.

Blueprint Genetics
Classification: Likely benign. Last evaluated: 2024-09-12. Review status: criteria provided, single submitter. Criteria: ACMG Guidelines, 2015. Collection method: clinical testing. Allele origin: germline.

CeGaT Center for Human Genetics Tuebingen
Classification: Likely benign. Last evaluated: 2023-04-01. Review status: criteria provided, single submitter. Criteria: CeGaT Center For Human Genetics Tuebingen Variant Classification Criteria Version 2. Collection method: clinical testing. Allele origin: germline. Affected: yes. Observed: 1 variant allele.
Comment: FLNB: BP4, BS1

Illumina Laboratory Services, Illumina
Classification: Uncertain significance for FLNB-Related Spectrum Disorders. Last evaluated: 2018-01-12. Review status: criteria provided, single submitter. Criteria: ICSL Variant Classification Criteria 13 December 2019. Collection method: clinical testing. Allele origin: germline.

GeneDx
Classification: Likely benign. Last evaluated: 2016-09-08. Review status: criteria provided, single submitter. Criteria: GeneDx Variant Classification (06012015). Collection method: clinical testing. Allele origin: germline. Affected: yes.
Comment: This variant is considered likely benign or benign based on one or more of the following criteria: it is a conservative change, it occurs at a poorly conserved position in the protein, it is predicted to be benign by multiple in silico algorithms, and/or has population frequency not consistent with disease.